The following is an entry in ClinVar:

NM_001853.4(COL9A3):c.1010G>A (p.Gly337Asp)

Gene: COL9A3 (collagen type IX alpha 3 chain; plus strand). Cytogenetic location: 20q13.33.
Variant type: single nucleotide variant.
Coding change: c.1010G>A on transcript NM_001853.4 (MANE Select); coding-DNA position 1010, G replaced by A.
Protein change: p.Gly337Asp; replaces glycine 337 with aspartic acid.
Molecular consequence: missense variant.
Genome position (GRCh38, 1-based): chr20:62,829,456, G>A. VCF-style: chr20-62829456-G-A. GRCh37 (hg19) VCF-style: chr20-61460808-G-A.
Other names: short protein forms G337D.
Identifiers: ClinVar variation 4778756 (VCV004778756.1).

ClinVar aggregate classification (germline): Uncertain significance (1 of 4 stars; one submission).

Submission:

Labcorp Genetics (formerly Invitae), Labcorp
Classification: Uncertain significance. Last evaluated: 2026-01-01. Review status: criteria provided, single submitter. Criteria: Invitae Variant Classification Sherloc (09022015). Collection method: clinical testing. Allele origin: germline.
Comment: This sequence change replaces glycine, which is neutral and non-polar, with aspartic acid, which is acidic and polar, at codon 337 of the COL9A3 protein (p.Gly337Asp). This variant is not present in population databases (gnomAD no frequency). This variant has not been reported in the literature in individuals affected with COL9A3-related conditions. An algorithm developed to predict the effect of missense changes on protein structure and function (PolyPhen-2) suggests that this variant is likely to be disruptive. In summary, the available evidence is currently insufficient to determine the role of this variant in disease. Therefore, it has been classified as a Variant of Uncertain Significance.